The following is an entry in ClinVar:

NM_178172.6(GPIHBP1):c.190C>T (p.Arg64Trp)

Gene: GPIHBP1 (glycosylphosphatidylinositol anchored high density lipoprotein binding protein 1; plus strand). Cytogenetic location: 8q24.3.
Variant type: single nucleotide variant.
Coding change: c.190C>T on transcript NM_178172.6 (MANE Select); coding-DNA position 190, C replaced by T.
Protein change: p.Arg64Trp; replaces arginine 64 with tryptophan.
Molecular consequence: missense variant.
Genome position (GRCh38, 1-based): chr8:143,215,021, C>T. VCF-style: chr8-143215021-C-T. GRCh37 (hg19) VCF-style: chr8-144296896-C-T.
Other names: c.190C>T, p.Arg64Trp (NM_001301772.2); c.190C>T (NM_178172.3); short protein forms R64W.
Identifiers: ClinVar variation 2071106 (VCV002071106.4), dbSNP rs556559035, ClinGen allele CA4907048.

ClinVar aggregate classification (germline): Conflicting classifications of pathogenicity. Review status: criteria provided, conflicting classifications (1 of 4 stars). 2 submissions from 2 submitters: Uncertain significance (1); Likely benign (1). Last evaluated 2024-09-05.

Conditions:
Cardiovascular phenotype. Identifiers: MedGen CN230736.

Allele frequency attached by ClinVar (database versions not stated): TOPMed 0.00002; gnomAD 0.00006; ExAC 0.00008; 1000 Genomes Project 0.00060; 1000 Genomes Project 30x 0.00062.
gnomAD v4.1: 100 of 1,573,526 alleles (0.0064%); highest among the groups gnomAD compares: East Asian, 0.2%; no homozygotes.

Submissions (2):

Ambry Genetics
Classification: Likely benign for Cardiovascular phenotype. Last evaluated: 2024-09-05. Review status: criteria provided, single submitter. Criteria: Ambry Variant Classification Scheme 2023. Collection method: clinical testing. Allele origin: germline.

Labcorp Genetics (formerly Invitae), Labcorp
Classification: Uncertain significance. Last evaluated: 2022-04-16. Review status: criteria provided, single submitter. Criteria: Invitae Variant Classification Sherloc (09022015). Collection method: clinical testing. Allele origin: germline.
Comment: In summary, the available evidence is currently insufficient to determine the role of this variant in disease. Therefore, it has been classified as a Variant of Uncertain Significance. Algorithms developed to predict the effect of missense changes on protein structure and function output the following: SIFT: "Tolerated"; PolyPhen-2: "Benign"; Align-GVGD: "Class C0". The tryptophan amino acid residue is found in multiple mammalian species, which suggests that this missense change does not adversely affect protein function. This variant has not been reported in the literature in individuals affected with GPIHBP1-related conditions. This variant is present in population databases (rs556559035, gnomAD 0.1%). This sequence change replaces arginine, which is basic and polar, with tryptophan, which is neutral and slightly polar, at codon 64 of the GPIHBP1 protein (p.Arg64Trp).